The following is an entry in ClinVar:

NM_004230.4(S1PR2):c.203T>C (p.Met68Thr)

Gene: S1PR2 (sphingosine-1-phosphate receptor 2; minus strand). Cytogenetic location: 19p13.2.
Variant type: single nucleotide variant.
Coding change: c.203T>C on transcript NM_004230.4 (MANE Select); coding-DNA position 203, T replaced by C.
Protein change: p.Met68Thr; replaces methionine 68 with threonine.
Molecular consequence: missense variant.
Genome position (GRCh38, 1-based): chr19:10,224,703, A>G on the plus strand (T>C on the coding strand, the complement: S1PR2 is on the minus strand). VCF-style: chr19-10224703-A-G. GRCh37 (hg19) VCF-style: chr19-10335379-A-G.
Other names: short protein forms M68T.
Identifiers: ClinVar variation 3731061 (VCV003731061.1).
Genomic context (GRCh38, chr19:10,224,703, plus strand): 5'-GCTACGAAGGCCACGCCTGCCAGTAGATCGGAGGCGGCCAGGTTGCCCAGAAACAGGTAC[A>G]TTGCCGAGTGGAACTTGCTGTTTCGGGCCACCGCAATGAGCACCAGAAGGTTTTCCACCA-3'
Protein context (NP_004221.3, residues 58-78): VARNSKFHSA[Met68Thr]YLFLGNLAAS

ClinVar aggregate classification (germline): Uncertain significance (1 of 4 stars; one submission).

Submission:

GeneDx
Classification: Uncertain significance. Last evaluated: 2024-08-13. Review status: criteria provided, single submitter. Criteria: GeneDx Variant Classification Process June 2021. Collection method: clinical testing. Allele origin: germline. Affected: yes.
Comment: Not observed at significant frequency in large population cohorts (gnomAD); In silico analysis supports that this missense variant has a deleterious effect on protein structure/function; Has not been previously published as pathogenic or benign to our knowledge